The following is an entry in ClinVar:

ClinVar aggregate classification (germline): Uncertain significance (1 of 4 stars; one submission).

Conditions:
Severe combined immunodeficiency due to DNA-PKcs deficiency. Also called: Immunodeficiency 26 with or without neurologic abnormalities; IMMUNODEFICIENCY 26 WITH NEUROLOGIC ABNORMALITIES. Identifiers: Orphanet 317425, MedGen C4014833, MONDO:0014423, OMIM 615966.

Allele frequency attached by ClinVar (database versions not stated): TOPMed below 0.00001.
gnomAD v4.1: 1 of 1,614,022 alleles (0.000062%); highest among the groups gnomAD compares: Non-Finnish European, 0.000085%; no homozygotes.

Submission:

Labcorp Genetics (formerly Invitae), Labcorp
Classification: Uncertain significance for Severe combined immunodeficiency due to DNA-PKcs deficiency. Last evaluated: 2021-04-06. Review status: criteria provided, single submitter. Criteria: Invitae Variant Classification Sherloc (09022015). Collection method: clinical testing. Allele origin: germline.
Comment: In summary, the available evidence is currently insufficient to determine the role of this variant in disease. Therefore, it has been classified as a Variant of Uncertain Significance. Experimental studies and prediction algorithms are not available or were not evaluated, and the functional significance of this variant is currently unknown. This variant has not been reported in the literature in individuals with PRKDC-related conditions. This variant is not present in population databases (ExAC no frequency). This sequence change replaces lysine with glutamic acid at codon 2683 of the PRKDC protein (p.Lys2683Glu). The lysine residue is highly conserved and there is a small physicochemical difference between lysine and glutamic acid.

NM_006904.7(PRKDC):c.8047A>G (p.Lys2683Glu)

Gene: PRKDC (protein kinase, DNA-activated, catalytic subunit; minus strand). Cytogenetic location: 8q11.21.
Variant type: single nucleotide variant.
Coding change: c.8047A>G on transcript NM_006904.7 (MANE Select); coding-DNA position 8047, A replaced by G.
Protein change: p.Lys2683Glu; replaces lysine 2683 with glutamic acid.
Molecular consequence: missense variant.
Genome position (GRCh38, 1-based): chr8:47,834,301, T>C on the plus strand (A>G on the coding strand, the complement: PRKDC is on the minus strand). VCF-style: chr8-47834301-T-C. GRCh37 (hg19) VCF-style: chr8-48746862-T-C.
Other names: c.8047A>G, p.Lys2683Glu (NM_001081640.2); short protein forms K2683E.
Identifiers: ClinVar variation 1466366 (VCV001466366.6), dbSNP rs2087956183, ClinGen allele CA371149639.
Genomic context (GRCh38, chr8:47,834,301, plus strand): 5'-TTTTCCCAAAATCAGGCCCCACTGACTTCAAGGGTGCTCTCTGTAACCTTTCACTCCTCT[T>C]GTGGGCAAACAGCAAGGAGTCAGATGAGGGACTGGTGTGGTCGACCAGCGGGTCAGTGCT-3'
Protein context (NP_008835.5, residues 2673-2693): PSSDSLLFAH[Lys2683Glu]RSERLQRAPL